The following is an entry in ClinVar:

ClinVar aggregate classification (germline): Uncertain significance. Review status: criteria provided, multiple submitters, no conflicts (2 of 4 stars). 2 submissions from 2 submitters: Uncertain significance (2). Last evaluated 2025-11-11.

Conditions:
Hereditary cancer-predisposing syndrome. Also called: Neoplastic Syndromes, Hereditary; Hereditary neoplastic syndrome; Tumor predisposition; Hereditary Cancer Syndrome. Identifiers: Orphanet 140162, MedGen C0027672, MeSH D009386, MONDO:0015356.
Ataxia-telangiectasia syndrome (AT). Also called: Ataxia telangiectasia (A-T); Cerebello-oculocutaneous telangiectasia; Immunodeficiency with ataxia telangiectasia; LOUIS-BAR SYNDROME; AT, COMPLEMENTATION GROUP C; ATAXIA-TELANGIECTASIA, FRESNO VARIANT. Identifiers: Orphanet 100, MedGen C0004135, MONDO:0008840, OMIM 208900.

Allele frequency attached by ClinVar (database versions not stated): gnomAD exomes below 0.00001.
gnomAD v4.1: 1 of 1,614,182 alleles (0.000062%); highest among the groups gnomAD compares: Non-Finnish European, 0.000085%; no homozygotes.

Submissions (2):

Labcorp Genetics (formerly Invitae), Labcorp
Classification: Uncertain significance for Ataxia-telangiectasia syndrome. Last evaluated: 2025-11-11. Review status: criteria provided, single submitter. Criteria: Invitae Variant Classification Sherloc (09022015). Collection method: clinical testing. Allele origin: germline.
Comment: This sequence change replaces histidine, which is basic and polar, with glutamine, which is neutral and polar, at codon 2981 of the ATM protein (p.His2981Gln). This variant is not present in population databases (gnomAD no frequency). This variant has not been reported in the literature in individuals affected with ATM-related conditions. ClinVar contains an entry for this variant (Variation ID: 233719). Invitae Evidence Modeling of protein sequence and biophysical properties (such as structural, functional, and spatial information, amino acid conservation, physicochemical variation, residue mobility, and thermodynamic stability) indicates that this missense variant is not expected to disrupt ATM protein function with a negative predictive value of 95%. In summary, the available evidence is currently insufficient to determine the role of this variant in disease. Therefore, it has been classified as a Variant of Uncertain Significance.

Ambry Genetics
Classification: Uncertain significance for Hereditary cancer-predisposing syndrome. Last evaluated: 2015-09-04. Review status: criteria provided, single submitter. Criteria: Ambry Variant Classification Scheme 2023. Collection method: clinical testing. Allele origin: germline.
Comment: The p.H2981Q variant (also known as c.8943C>G), located in coding exon 61 of the ATM gene, results from a C to G substitution at nucleotide position 8943. The histidine at codon 2981 is replaced by glutamine, an amino acid with highly similar properties. This variant was not reported in population based cohorts in the following databases: Database of Single Nucleotide Polymorphisms (dbSNP), NHLBI Exome Sequencing Project (ESP), and 1000 Genomes Project. In the ESP, this variant was not observed in 6499 samples (12998 alleles) with coverage at this position. To date, this alteration has been detected with an allele frequency of approximately 0.002% (greater than 66000 alleles tested) in our clinical cohort. This amino acid position is not conserved and glutamine is a reference amino acid in several species. In addition, this alteration is predicted to be tolerated by in silico analysis. Since supporting evidence is limited at this time, the clinical significance of p.H2981Q remains unclear.

NM_000051.4(ATM):c.8943C>G (p.His2981Gln)

Genes: ATM (ATM serine/threonine kinase; plus strand), C11orf65 (chromosome 11 open reading frame 65; minus strand). Cytogenetic location: 11q22.3.
Variant type: single nucleotide variant.
Coding change: c.8943C>G on transcript NM_000051.4 (MANE Select); coding-DNA position 8943, C replaced by G.
Protein change: p.His2981Gln; replaces histidine 2981 with glutamine.
Molecular consequence: missense variant. On other transcripts: intron variant (2).
Genome position (GRCh38, 1-based): chr11:108,365,174, C>G. VCF-style: chr11-108365174-C-G. GRCh37 (hg19) VCF-style: chr11-108235901-C-G.
Other names: c.8943C>G, p.His2981Gln (NM_001351834.2); c.640+20746G>C (NM_001330368.2); c.694+20746G>C (NM_001351110.2); short protein forms H2981Q.
Identifiers: ClinVar variation 233719 (VCV000233719.52), dbSNP rs876660594, ClinGen allele CA10579327.